The following is an entry in ClinVar:

NM_005045.4(RELN):c.7181-34G>A

Gene: RELN (reelin; minus strand). Cytogenetic location: 7q22.1.
Variant type: single nucleotide variant.
Coding change: c.7181-34G>A on transcript NM_005045.4 (MANE Select); 34 bases into the intron before coding-DNA position 7181, G replaced by A.
Molecular consequence: intron variant.
Genome position (GRCh38, 1-based): chr7:103,535,518, C>T on the plus strand (G>A on the coding strand, the complement: RELN is on the minus strand). VCF-style: chr7-103535518-C-T. GRCh37 (hg19) VCF-style: chr7-103175965-C-T.
Other names: c.7181-34G>A (NM_173054.3).
Identifiers: ClinVar variation 259612 (VCV000259612.5), dbSNP rs362706, ClinGen allele CA4420790.

ClinVar aggregate classification (germline): Benign. Review status: criteria provided, multiple submitters, no conflicts (2 of 4 stars). 4 submissions from 4 submitters: Benign (4). Last evaluated 2021-11-07.

Conditions:
Norman-Roberts syndrome (LIS2). Also called: Lissencephaly 2 (Norman-Roberts type). Identifiers: Orphanet 89844, MedGen C0796089, MONDO:0009760, OMIM 257320.

Allele frequency attached by ClinVar (database versions not stated): 1000 Genomes Project 30x 0.71643; gnomAD 0.75362 and 0.74914; TOPMed 0.75123; 1000 Genomes Project 0.71026; ESP Exome Variant Server 0.75688.
gnomAD v4.1: 1,203,943 of 1,588,700 alleles (76%); highest among the groups gnomAD compares: Non-Finnish European, 77%; 457,478 homozygotes.

Submissions (4):

Genome-Nilou Lab
Classification: Benign for Norman-Roberts syndrome. Last evaluated: 2021-11-07. Review status: criteria provided, single submitter. Criteria: ACMG Guidelines, 2015. Collection method: clinical testing. Allele origin: germline. Affected: no.

GeneDx
Classification: Benign. Last evaluated: 2018-06-19. Review status: criteria provided, single submitter. Criteria: GeneDx Variant Classification (06012015). Collection method: clinical testing. Allele origin: germline. Affected: yes.
Comment: This variant is considered likely benign or benign based on one or more of the following criteria: it is a conservative change, it occurs at a poorly conserved position in the protein, it is predicted to be benign by multiple in silico algorithms, and/or has population frequency not consistent with disease.

Breakthrough Genomics
Classification: Benign. Review status: criteria provided, single submitter. Criteria: ACMG Guidelines, 2015. Collection method: not provided. Allele origin: germline. Inheritance: Autosomal recessive inheritance. Affected: yes.

PreventionGenetics, part of Exact Sciences
Classification: Benign. Review status: criteria provided, single submitter. Criteria: ACMG Guidelines, 2015. Collection method: clinical testing. Allele origin: germline.